The following is an entry in ClinVar:

NM_018075.5(ANO10):c.312del (p.Arg105fs)

Gene: ANO10 (anoctamin 10; minus strand). Cytogenetic location: 3p21.33.
Variant type: Deletion.
Coding change: c.312del on transcript NM_018075.5 (MANE Select); coding-DNA position 312, one base deleted (C; older notation c.312delC).
Protein change: p.Arg105fs; shifts the reading frame from arginine 105.
Molecular consequence: frameshift variant. On other transcripts: intron variant (4).
Genome position (GRCh38, 1-based): chr3:43,600,409, G deleted on the plus strand (C on the coding strand, the reverse complement: ANO10 is on the minus strand); the first of 2 consecutive G bases (chr3:43,600,409-43,600,410); deleting either gives the same sequence. VCF-style (leftmost placement, unchanged base first): chr3-43600408-TG-T. GRCh37 (hg19) VCF-style: chr3-43641900-TG-T.
Other names: c.312del, p.Arg105fs (NM_001204831.3, NM_001204834.3, NM_001346463.2 and 4 more transcripts); c.140-1743del (NM_001346469.2, NM_001204832.3, NM_001346466.2); c.139+5305del (NM_001204833.3); short protein forms R105fs.
Identifiers: ClinVar variation 2753708 (VCV002753708.3), dbSNP rs1190384991, ClinGen allele CA907328379.
Genomic context (GRCh38, chr3:43,600,408, plus strand): 5'-ATGGATTCTAACAGAGACAAAGAACTTAGGGCTTACCATCAAAACCTTTGAAGTTCTGTC[TG>T]GTTCTGTATGTGAAGGCTCTCATGGTGTTATCATTGCACTCTTTTACCAATCCCACTGCT-3'

ClinVar aggregate classification (germline): Pathogenic (1 of 4 stars; one submission).

Submission:

Labcorp Genetics (formerly Invitae), Labcorp
Classification: Pathogenic. Last evaluated: 2023-05-31. Review status: criteria provided, single submitter. Criteria: Invitae Variant Classification Sherloc (09022015). Collection method: clinical testing. Allele origin: germline.
Comment: This variant is not present in population databases (gnomAD no frequency). For these reasons, this variant has been classified as Pathogenic. This variant has not been reported in the literature in individuals affected with ANO10-related conditions. This sequence change creates a premature translational stop signal (p.Arg105Aspfs*15) in the ANO10 gene. It is expected to result in an absent or disrupted protein product. Loss-of-function variants in ANO10 are known to be pathogenic (PMID: 25089919).

Literature cited by the submitters: PubMed 25089919.